The following is an entry in ClinVar:

NM_001376.5(DYNC1H1):c.10950C>A (p.Asn3650Lys)

Gene: DYNC1H1 (dynein cytoplasmic 1 heavy chain 1; plus strand). Cytogenetic location: 14q32.31.
Variant type: single nucleotide variant.
Coding change: c.10950C>A on transcript NM_001376.5 (MANE Select); coding-DNA position 10950, C replaced by A.
Protein change: p.Asn3650Lys; replaces asparagine 3650 with lysine.
Molecular consequence: missense variant.
Genome position (GRCh38, 1-based): chr14:102,038,501, C>A. VCF-style: chr14-102038501-C-A. GRCh37 (hg19) VCF-style: chr14-102504838-C-A.
Other names: short protein forms N3650K.
Identifiers: ClinVar variation 1879289 (VCV001879289.29), dbSNP rs17541505, ClinGen allele CA391031418.
Genomic context (GRCh38, chr14:102,038,501, plus strand): 5'-CCACCCGTGTGGAATGCAGGATGTGGAAAGCTACGATCCAGTTTTGAACCCGGTGCTGAA[C>A]CGTGAAGTGCGGCGAACAGGGGGGAGAGTGCTGATCACTCTCGGGGACCAGGACATAGAC-3'
Protein context (NP_001367.2, residues 3640-3660): SYDPVLNPVL[Asn3650Lys]REVRRTGGRV

ClinVar aggregate classification (germline): Uncertain significance (1 of 4 stars; one submission).

Submission:

CeGaT Center for Human Genetics Tuebingen
Classification: Uncertain significance. Last evaluated: 2022-11-01. Review status: criteria provided, single submitter. Criteria: CeGaT Center For Human Genetics Tuebingen Variant Classification Criteria Version 2. Collection method: clinical testing. Allele origin: germline. Affected: yes. Observed: 1 variant allele.
Comment: DYNC1H1: PM2, PP2